The following is an entry in ClinVar:

ClinVar aggregate classification (germline): Likely benign. Review status: criteria provided, multiple submitters, no conflicts (2 of 4 stars). 2 submissions from 2 submitters: Likely benign (2). Last evaluated 2024-02-05.

Allele frequency attached by ClinVar (database versions not stated): gnomAD exomes below 0.00001; ExAC 0.00002; TOPMed 0.00005; gnomAD 0.00006.
gnomAD v4.1: 17 of 1,613,750 alleles (0.0011%); highest among the groups gnomAD compares: African/African-American, 0.019%; no homozygotes.

Submissions (2):

Labcorp Genetics (formerly Invitae), Labcorp
Classification: Likely benign. Last evaluated: 2024-02-05. Review status: criteria provided, single submitter. Criteria: Invitae Variant Classification Sherloc (09022015). Collection method: clinical testing. Allele origin: germline.

Laboratory for Molecular Medicine, Mass General Brigham Personalized Medicine
Classification: Likely benign. Last evaluated: 2017-06-06. Review status: criteria provided, single submitter. Criteria: LMM Criteria. Collection method: clinical testing. Allele origin: germline. Observed: 1 variant allele.
Comment: p.Ala357Ala in exon 12 of OTOF: This variant is not expected to have clinical si gnificance because it does not alter an amino acid residue and is not located wi thin the splice consensus sequence. It has been identified in 3/23992 of African chromosomes by the genome Aggreagation Database (gnomAD; dbSNP rs767723798).

NM_194248.3(OTOF):c.1071C>A (p.Ala357=)

Gene: OTOF (otoferlin; minus strand). Cytogenetic location: 2p23.3.
Variant type: single nucleotide variant.
Coding change: c.1071C>A on transcript NM_194248.3 (MANE Select); coding-DNA position 1071, C replaced by A.
Protein change: p.Ala357=; no amino-acid change (alanine 357 retained).
Molecular consequence: synonymous variant.
Genome position (GRCh38, 1-based): chr2:26,484,608, G>T on the plus strand (C>A on the coding strand, the complement: OTOF is on the minus strand). VCF-style: chr2-26484608-G-T. GRCh37 (hg19) VCF-style: chr2-26707476-G-T.
Other names: c.1071C>A, p.Ala357= (NM_001287489.2).
Identifiers: ClinVar variation 517374 (VCV000517374.7), dbSNP rs767723798, ClinGen allele CA1564383.